The following is an entry in ClinVar:

ClinVar aggregate classification (germline): Uncertain significance (1 of 4 stars; one submission).

Conditions:
Nemaline myopathy 6 (NEM6). Also called: Nemaline myopathy 6, autosomal dominant. Identifiers: Orphanet 171439, MedGen C1836472, MONDO:0012237, OMIM 609273.

Submission:

Labcorp Genetics (formerly Invitae), Labcorp
Classification: Uncertain significance for Nemaline myopathy 6. Last evaluated: 2024-04-16. Review status: criteria provided, single submitter. Criteria: Invitae Variant Classification Sherloc (09022015). Collection method: clinical testing. Allele origin: germline.
Comment: This sequence change replaces alanine, which is neutral and non-polar, with glycine, which is neutral and non-polar, at codon 74 of the KBTBD13 protein (p.Ala74Gly). This variant is present in population databases (no rsID available, gnomAD 0.01%). This variant has not been reported in the literature in individuals affected with KBTBD13-related conditions. Advanced modeling of protein sequence and biophysical properties (such as structural, functional, and spatial information, amino acid conservation, physicochemical variation, residue mobility, and thermodynamic stability) performed at Invitae indicates that this missense variant is not expected to disrupt KBTBD13 protein function with a negative predictive value of 80%. In summary, the available evidence is currently insufficient to determine the role of this variant in disease. Therefore, it has been classified as a Variant of Uncertain Significance.

NM_001101362.3(KBTBD13):c.221C>G (p.Ala74Gly)

Gene: KBTBD13 (kelch repeat and BTB domain containing 13; plus strand). Cytogenetic location: 15q22.31.
Variant type: single nucleotide variant.
Coding change: c.221C>G on transcript NM_001101362.3 (MANE Select); coding-DNA position 221, C replaced by G.
Protein change: p.Ala74Gly; replaces alanine 74 with glycine.
Molecular consequence: missense variant.
Genome position (GRCh38, 1-based): chr15:65,077,036, C>G. VCF-style: chr15-65077036-C-G. GRCh37 (hg19) VCF-style: chr15-65369374-C-G.
Other names: short protein forms A74G.
Identifiers: ClinVar variation 3727090 (VCV003727090.2).
Genomic context (GRCh38, chr15:65,077,036, plus strand): 5'-GCGCGGGAGGTTTCCGCGCCACGCTGCAGGTGCTGCGCGGCGACCGGCCGGCGCTGGCGG[C>G]GGAGGACGAGCTGCTGCAGGCCGTGGAGTGCGCCGCCTTCCTCCAGGCGCCGGCGCTGGC-3'
Protein context (NP_001094832.1, residues 64-84): VLRGDRPALA[Ala74Gly]EDELLQAVEC